The following is an entry in ClinVar:

NM_203447.4(DOCK8):c.1616G>A (p.Arg539His)

Gene: DOCK8 (dedicator of cytokinesis 8; plus strand). Cytogenetic location: 9p24.3.
Variant type: single nucleotide variant.
Coding change: c.1616G>A on transcript NM_203447.4 (MANE Select); coding-DNA position 1616, G replaced by A.
Protein change: p.Arg539His; replaces arginine 539 with histidine.
Molecular consequence: missense variant.
Genome position (GRCh38, 1-based): chr9:340,258, G>A. VCF-style: chr9-340258-G-A. GRCh37 (hg19) VCF-style: chr9-340258-G-A.
Other names: c.1412G>A, p.Arg471His (NM_001190458.2, NM_001193536.2); short protein forms R471H, R539H.
Identifiers: ClinVar variation 4692523 (VCV004692523.1).

ClinVar aggregate classification (germline): Uncertain significance (1 of 4 stars; one submission).

Conditions:
Combined immunodeficiency due to DOCK8 deficiency (HIES2). Also called: HYPER-IgE SYNDROME 2, AUTOSOMAL RECESSIVE, WITH RECURRENT INFECTIONS; HYPER-IgE RECURRENT INFECTION SYNDROME 2, AUTOSOMAL RECESSIVE; HIES autosomal recessive; Hyper-IgE recurrent infection syndrome, autosomal recessive; DOCK8 Deficiency. Identifiers: Orphanet 217390, MedGen C4722305, MONDO:0009478, OMIM 243700.

gnomAD v4.1: 6 of 1,613,954 alleles (0.00037%); highest among the groups gnomAD compares: East Asian, 0.0022%; no homozygotes.

Submission:

Labcorp Genetics (formerly Invitae), Labcorp
Classification: Uncertain significance for Combined immunodeficiency due to DOCK8 deficiency. Last evaluated: 2025-06-04. Review status: criteria provided, single submitter. Criteria: Invitae Variant Classification Sherloc (09022015). Collection method: clinical testing. Allele origin: germline.
Comment: This sequence change replaces arginine, which is basic and polar, with histidine, which is basic and polar, at codon 539 of the DOCK8 protein (p.Arg539His). This variant is present in population databases (rs767480890, gnomAD 0.003%). This variant has not been reported in the literature in individuals affected with DOCK8-related conditions. Invitae Evidence Modeling of protein sequence and biophysical properties (such as structural, functional, and spatial information, amino acid conservation, physicochemical variation, residue mobility, and thermodynamic stability) indicates that this missense variant is expected to disrupt DOCK8 protein function with a positive predictive value of 80%. In summary, the available evidence is currently insufficient to determine the role of this variant in disease. Therefore, it has been classified as a Variant of Uncertain Significance.